The following is an entry in ClinVar:

NM_015335.5(MED13L):c.4720GCA[1] (p.Ala1575del)

Gene: MED13L (mediator complex subunit 13L; minus strand). Cytogenetic location: 12q24.21.
Variant type: Microsatellite.
Coding change: c.4720GCA[1] on transcript NM_015335.5 (MANE Select); one copy of the 3-base unit GCA starting at c.4720; the reference has two copies in a row; one copy, 3 bases deleted.
Protein change: p.Ala1575del; deletes alanine 1575.
Molecular consequence: inframe deletion.
Genome position (GRCh38, 1-based): chr12:115,983,347-115,983,349, TGC deleted on the plus strand (GCA on the coding strand, the reverse complement: MED13L is on the minus strand); deleting any 3 consecutive bases within chr12:115,983,347-115,983,352 gives the same sequence; the position shown is the placement nearest the transcript's 3' end. VCF-style (leftmost placement, unchanged base first): chr12-115983346-TTGC-T. GRCh37 (hg19) VCF-style: chr12-116421151-TTGC-T.
Other names: short protein forms A1575del.
Identifiers: ClinVar variation 2662893 (VCV002662893.1), dbSNP rs2499826940, ClinGen allele CA2695199177.

ClinVar aggregate classification (germline): Uncertain significance (1 of 4 stars; one submission).

Submission:

GeneDx
Classification: Uncertain significance. Last evaluated: 2023-04-30. Review status: criteria provided, single submitter. Criteria: GeneDx Variant Classification Process June 2021. Collection method: clinical testing. Allele origin: germline. Affected: yes.
Comment: Not observed at significant frequency in large population cohorts (gnomAD); In-frame deletion of 1 amino acid in a repetitive region with no known function; Has not been previously published as pathogenic or benign to our knowledge